The following is an entry in ClinVar:

ClinVar aggregate classification (germline): Uncertain significance. Review status: criteria provided, multiple submitters, no conflicts (2 of 4 stars). 2 submissions from 2 submitters: Uncertain significance (2). Last evaluated 2025-12-02.

Conditions:
Cardiovascular phenotype. Identifiers: MedGen CN230736.
Dilated cardiomyopathy 1J (CMD1J). Also called: CARDIOMYOPATHY, DILATED, WITH SENSORINEURAL HEARING LOSS, AUTOSOMAL DOMINANT. Identifiers: Orphanet 217622, MedGen C1854368, MONDO:0011541, OMIM 605362.

gnomAD v4.1: 3 of 1,613,112 alleles (0.00019%); highest among the groups gnomAD compares: African/African-American, 0.0013%; no homozygotes.

Submissions (2):

Labcorp Genetics (formerly Invitae), Labcorp
Classification: Uncertain significance for Dilated cardiomyopathy 1J. Last evaluated: 2025-12-02. Review status: criteria provided, single submitter. Criteria: Invitae Variant Classification Sherloc (09022015). Collection method: clinical testing. Allele origin: germline.
Comment: This sequence change replaces serine, which is neutral and polar, with cysteine, which is neutral and slightly polar, at codon 308 of the EYA4 protein (p.Ser308Cys). This variant is present in population databases (no rsID available, gnomAD 0.007%). This variant has not been reported in the literature in individuals affected with EYA4-related conditions. ClinVar contains an entry for this variant (Variation ID: 2142140). Invitae Evidence Modeling of protein sequence and biophysical properties (such as structural, functional, and spatial information, amino acid conservation, physicochemical variation, residue mobility, and thermodynamic stability) indicates that this missense variant is not expected to disrupt EYA4 protein function with a negative predictive value of 80%. In summary, the available evidence is currently insufficient to determine the role of this variant in disease. Therefore, it has been classified as a Variant of Uncertain Significance.

Ambry Genetics
Classification: Uncertain significance for Cardiovascular phenotype. Last evaluated: 2025-06-22. Review status: criteria provided, single submitter. Criteria: Ambry Variant Classification Scheme 2023. Collection method: clinical testing. Allele origin: germline.

NM_004100.5(EYA4):c.923C>G (p.Ser308Cys)

Gene: EYA4 (EYA transcriptional coactivator and phosphatase 4; plus strand). Cytogenetic location: 6q23.2.
Variant type: single nucleotide variant.
Coding change: c.923C>G on transcript NM_004100.5 (MANE Select); coding-DNA position 923, C replaced by G.
Protein change: p.Ser308Cys; replaces serine 308 with cysteine.
Molecular consequence: missense variant.
Genome position (GRCh38, 1-based): chr6:133,468,684, C>G. VCF-style: chr6-133468684-C-G. GRCh37 (hg19) VCF-style: chr6-133789822-C-G.
Other names: c.923C>G (NM_004100.4); c.761C>G, p.Ser254Cys (NM_001301012.2, NM_001370459.1); c.923C>G, p.Ser308Cys (NM_001301013.2, NM_172105.4); c.854C>G, p.Ser285Cys (NM_001370458.1, NM_172103.4); short protein forms S308C, S254C, S285C.
Identifiers: ClinVar variation 2142140 (VCV002142140.5), dbSNP rs368625402, ClinGen allele CA365703779.
Genomic context (GRCh38, chr6:133,468,684, plus strand): 5'-CAACGTATGGAGCGTATATGACATCGAATAACACAGCCGATGGCACACCCTCTTCAACCT[C>G]TACTTATCAGTTGCAGGAATCTCTCCCAGGACTGACTAACCAACCAGGTACAGATCTTCA-3'
Protein context (NP_004091.3, residues 298-318): NTADGTPSST[Ser308Cys]TYQLQESLPG